The following is an entry in ClinVar:

NM_001211.6(BUB1B):c.1247G>T (p.Arg416Leu)

Gene: BUB1B (BUB1 mitotic checkpoint serine/threonine kinase B; plus strand). Cytogenetic location: 15q15.1.
Variant type: single nucleotide variant.
Coding change: c.1247G>T on transcript NM_001211.6 (MANE Select); coding-DNA position 1247, G replaced by T.
Protein change: p.Arg416Leu; replaces arginine 416 with leucine.
Molecular consequence: missense variant.
Genome position (GRCh38, 1-based): chr15:40,196,733, G>T. VCF-style: chr15-40196733-G-T. GRCh37 (hg19) VCF-style: chr15-40488934-G-T.
Other names: short protein forms R416L.
Identifiers: ClinVar variation 848757 (VCV000848757.11), dbSNP rs763272400, ClinGen allele CA391687629.

ClinVar aggregate classification (germline): Uncertain significance (1 of 4 stars; one submission).

Conditions:
Mosaic variegated aneuploidy syndrome 1 (MVA1). Also called: Warburton-Anyane-Yeboa syndrome. Identifiers: Orphanet 1052, MedGen C1850343, MONDO:0009759, OMIM 257300.

gnomAD v4.1: 27 of 1,614,006 alleles (0.0017%); highest among the groups gnomAD compares: Non-Finnish European, 0.0023%; no homozygotes.

Submission:

Labcorp Genetics (formerly Invitae), Labcorp
Classification: Uncertain significance for Mosaic variegated aneuploidy syndrome 1. Last evaluated: 2019-02-13. Review status: criteria provided, single submitter. Criteria: Invitae Variant Classification Sherloc (09022015). Collection method: clinical testing. Allele origin: germline.
Comment: In summary, the available evidence is currently insufficient to determine the role of this variant in disease. Therefore, it has been classified as a Variant of Uncertain Significance. Algorithms developed to predict the effect of missense changes on protein structure and function are either unavailable or do not agree on the potential impact of this missense change (SIFT: "Tolerated"; PolyPhen-2: "Probably Damaging"; Align-GVGD: "Class C0"). This variant has not been reported in the literature in individuals with BUB1B-related conditions. This variant is not present in population databases (ExAC no frequency). This sequence change replaces arginine with leucine at codon 416 of the BUB1B protein (p.Arg416Leu). The arginine residue is highly conserved and there is a moderate physicochemical difference between arginine and leucine.